The following is an entry in ClinVar:

NM_000264.5(PTCH1):c.1228_1229del (p.Ser410fs)

Gene: PTCH1 (patched 1; minus strand). Cytogenetic location: 9q22.32.
Variant type: Microsatellite.
Coding change: c.1228_1229del on transcript NM_000264.5 (MANE Select); coding-DNA positions 1228 to 1229, 2 bases deleted (AG; older notation c.1228_1229delAG).
Protein change: p.Ser410fs; shifts the reading frame from serine 410.
Molecular consequence: frameshift variant. On other transcripts: non-coding transcript variant (1).
Genome position (GRCh38, 1-based): chr9:95,478,173-95,478,174, CT deleted on the plus strand (AG on the coding strand, the reverse complement: PTCH1 is on the minus strand); deleting any 2 consecutive bases within chr9:95,478,173-95,478,176 gives the same sequence; the c. name uses the placement nearest the transcript's 3' end. VCF-style (leftmost placement, unchanged base first): chr9-95478172-ACT-A. GRCh37 (hg19) VCF-style: chr9-98240454-ACT-A.
Other names: c.1030_1031del, p.Ser344fs (NM_001083602.3); c.1225_1226del, p.Ser409fs (NM_001083603.3); c.775_776del, p.Ser259fs (NM_001083604.3, NM_001083605.3, NM_001083606.3 and 1 more transcripts); c.1228_1229del, p.Ser410fs (NM_001354918.2); short protein forms S259fs, S344fs, S409fs, S410fs.
Identifiers: ClinVar variation 4880679 (VCV004880679.2).
Genomic context (GRCh38, chr9:95,478,172, plus strand): 5'-GATGTCGTCCAGGGTCGTGGTGGTGAAGGAAAGCACCTTTTGAGTGGAGTTCTGTGCGAC[ACT>A]CTGATGAACCACCTGTGGTCACAACAGAATGCGAAATGCCCAAATGCAATGAACACTTCC-3'

ClinVar aggregate classification (germline): Likely pathogenic (1 of 4 stars; one submission).

Conditions:
Holoprosencephaly 7 (HPE7). Identifiers: Orphanet 2162, MedGen C1835820, MONDO:0012562, OMIM 610828.

Submission:

Dasa
Classification: Likely pathogenic for Holoprosencephaly 7. Last evaluated: 2025-04-03. Review status: criteria provided, single submitter. Criteria: DASA Assertion Criteria. Collection method: clinical testing. Allele origin: germline.
Comment: NM_000264.5(PTCH1):c.1228_1229del (p.Ser410Cysfs*26) is a frameshift variant in PTCH1 predicted to alter the reading frame and introduce a premature termination codon and is predicted to result in an absent or altered protein product. Loss of function is an established disease mechanism for PTCH1 (PMID: 30411536; PMID: 21368767; PMID: 29575684). Published studies describe this variant in association with related phenotype (PMID: 24570001). Also, this variant is absent from population databases. Based on the currently available evidence, this variant is classified as likely pathogenic.

Literature cited by the submitters: PubMed 24570001; PubMed 30411536; PubMed 21368767; PubMed 29575684.